The following is an entry in ClinVar:

ClinVar aggregate classification (germline): Uncertain significance. Review status: criteria provided, multiple submitters, no conflicts (2 of 4 stars). 4 submissions from 4 submitters: Uncertain significance (3). 1 of the submissions does not count toward it. Last evaluated 2025-04-17.

Conditions:
Retinitis pigmentosa 25 (RP25). Identifiers: Orphanet 791, MedGen C1864446, MONDO:0011272, OMIM 602772.
Inborn genetic diseases. Identifiers: MedGen C0950123, MeSH D030342.

Allele frequency attached by ClinVar (database versions not stated): gnomAD exomes 0.00001.

Submissions (4):

Ambry Genetics
Classification: Uncertain significance for Inborn genetic diseases. Last evaluated: 2025-04-17. Review status: criteria provided, single submitter. Criteria: Ambry Variant Classification Scheme 2023. Collection method: clinical testing. Allele origin: germline.

Labcorp Genetics (formerly Invitae), Labcorp
Classification: Uncertain significance. Last evaluated: 2023-10-14. Review status: criteria provided, single submitter. Criteria: Invitae Variant Classification Sherloc (09022015). Collection method: clinical testing. Allele origin: germline.
Comment: This sequence change replaces arginine, which is basic and polar, with glycine, which is neutral and non-polar, at codon 984 of the EYS protein (p.Arg984Gly). This variant is not present in population databases (gnomAD no frequency). This variant has not been reported in the literature in individuals affected with EYS-related conditions. ClinVar contains an entry for this variant (Variation ID: 863527). Advanced modeling of protein sequence and biophysical properties (such as structural, functional, and spatial information, amino acid conservation, physicochemical variation, residue mobility, and thermodynamic stability) has been performed at Invitae for this missense variant, however the output from this modeling did not meet the statistical confidence thresholds required to predict the impact of this variant on EYS protein function. Algorithms developed to predict the effect of sequence changes on RNA splicing suggest that this variant may create or strengthen a splice site. In summary, the available evidence is currently insufficient to determine the role of this variant in disease. Therefore, it has been classified as a Variant of Uncertain Significance.

Blueprint Genetics
Classification: Uncertain significance. Last evaluated: 2020-05-06. Review status: criteria provided, single submitter. Criteria: ACMG Guidelines, 2015. Collection method: clinical testing. Allele origin: germline.

Natera, Inc.
Classification: Uncertain significance for Retinitis pigmentosa type 25. Last evaluated: 2021-05-28. Review status: no assertion criteria provided. Collection method: clinical testing. Allele origin: germline. Not counted in ClinVar's aggregate classification.

NM_001142800.2(EYS):c.2950A>G (p.Arg984Gly)

Gene: EYS (EGF-like photoreceptor maintenance factor; minus strand). Cytogenetic location: 6q12.
Variant type: single nucleotide variant.
Coding change: c.2950A>G on transcript NM_001142800.2 (MANE Select); coding-DNA position 2950, A replaced by G.
Protein change: p.Arg984Gly; replaces arginine 984 with glycine.
Molecular consequence: missense variant.
Genome position (GRCh38, 1-based): chr6:64,886,739, T>C on the plus strand (A>G on the coding strand, the complement: EYS is on the minus strand). VCF-style: chr6-64886739-T-C. GRCh37 (hg19) VCF-style: chr6-65596632-T-C.
Other names: c.2950A>G, p.Arg984Gly (NM_001292009.2); short protein forms R984G.
Identifiers: ClinVar variation 863527 (VCV000863527.7), dbSNP rs1030671986, ClinGen allele CA364788688.